The following is an entry in ClinVar:

NM_001195263.2(PDZD7):c.323G>T (p.Gly108Val)

Gene: PDZD7 (PDZ domain containing 7; minus strand). Cytogenetic location: 10q24.31.
Variant type: single nucleotide variant.
Coding change: c.323G>T on transcript NM_001195263.2 (MANE Select); coding-DNA position 323, G replaced by T.
Protein change: p.Gly108Val; replaces glycine 108 with valine.
Molecular consequence: missense variant.
Genome position (GRCh38, 1-based): chr10:101,023,972, C>A on the plus strand (G>T on the coding strand, the complement: PDZD7 is on the minus strand). VCF-style: chr10-101023972-C-A. GRCh37 (hg19) VCF-style: chr10-102783729-C-A.
Other names: c.323G>T, p.Gly108Val (NM_001351044.2, NM_024895.5); short protein forms G108V.
Identifiers: ClinVar variation 1505866 (VCV001505866.8), dbSNP rs1276376429, ClinGen allele CA378230935.
Genomic context (GRCh38, chr10:101,023,972, plus strand): 5'-TGGGGGTTCTGCTTACCTGCACTGCTGCCTTCCTCCACTTTGCTGACGAAGATGCCCAGG[C>A]CATGCTCTGAGCCCCCGCGCACGCTGAAGCCCAGCCTCCCTGCTGGACTCTTCTCCACCC-3'
Protein context (NP_001182192.1, residues 98-118): GFSVRGGSEH[Gly108Val]LGIFVSKVEE

ClinVar aggregate classification (germline): Uncertain significance (1 of 4 stars; one submission).

Submission:

Labcorp Genetics (formerly Invitae), Labcorp
Classification: Uncertain significance. Last evaluated: 2024-02-24. Review status: criteria provided, single submitter. Criteria: Invitae Variant Classification Sherloc (09022015). Collection method: clinical testing. Allele origin: germline.
Comment: This sequence change replaces glycine, which is neutral and non-polar, with valine, which is neutral and non-polar, at codon 108 of the PDZD7 protein (p.Gly108Val). This variant is not present in population databases (gnomAD no frequency). This variant has not been reported in the literature in individuals affected with PDZD7-related conditions. ClinVar contains an entry for this variant (Variation ID: 1505866). Advanced modeling of protein sequence and biophysical properties (such as structural, functional, and spatial information, amino acid conservation, physicochemical variation, residue mobility, and thermodynamic stability) has been performed at Invitae for this missense variant, however the output from this modeling did not meet the statistical confidence thresholds required to predict the impact of this variant on PDZD7 protein function. In summary, the available evidence is currently insufficient to determine the role of this variant in disease. Therefore, it has been classified as a Variant of Uncertain Significance.